The following is an entry in ClinVar:

NM_002857.4(PEX19):c.857C>G (p.Ser286Trp)

Gene: PEX19 (peroxisomal biogenesis factor 19; minus strand). Cytogenetic location: 1q23.2.
Variant type: single nucleotide variant.
Coding change: c.857C>G on transcript NM_002857.4 (MANE Select); coding-DNA position 857, C replaced by G.
Protein change: p.Ser286Trp; replaces serine 286 with tryptophan.
Molecular consequence: missense variant. On other transcripts: non-coding transcript variant (2), intron variant (1).
Genome position (GRCh38, 1-based): chr1:160,279,594, G>C on the plus strand (C>G on the coding strand, the complement: PEX19 is on the minus strand). VCF-style: chr1-160279594-G-C. GRCh37 (hg19) VCF-style: chr1-160249384-G-C.
Other names: c.817-12C>G (NM_001193644.1); short protein forms S286W.
Identifiers: ClinVar variation 595959 (VCV000595959.13), dbSNP rs149976198, ClinGen allele CA1197201.

ClinVar aggregate classification (germline): Uncertain significance. Review status: criteria provided, multiple submitters, no conflicts (2 of 4 stars). 4 submissions from 4 submitters: Uncertain significance (4). Last evaluated 2025-11-13.

Conditions:
PEX19-related disorder. Also called: PEX19-related condition.
Inborn genetic diseases. Identifiers: MedGen C0950123, MeSH D030342.
Peroxisome biogenesis disorder 12A (Zellweger). Also called: Peroxisome biogenesis disorder 12A. Identifiers: Orphanet 912, MedGen C3554002, MONDO:0013951, OMIM 614886.

Allele frequency attached by ClinVar (database versions not stated): TOPMed 0.00016; gnomAD 0.00010; ESP Exome Variant Server 0.00038.
gnomAD v4.1: 33 of 1,614,146 alleles (0.002%); highest among the groups gnomAD compares: African/African-American, 0.043%; no homozygotes.

Submissions (4):

Ambry Genetics
Classification: Uncertain significance for Inborn genetic diseases. Last evaluated: 2025-11-13. Review status: criteria provided, single submitter. Criteria: Ambry Variant Classification Scheme 2023. Collection method: clinical testing. Allele origin: germline.

PreventionGenetics, part of Exact Sciences
Classification: Uncertain significance for PEX19-related condition. Last evaluated: 2022-11-04. Review status: criteria provided, single submitter. Criteria: ACMG Guidelines, 2015. Collection method: clinical testing. Allele origin: germline.
Comment: The PEX19 c.857C>G variant is predicted to result in the amino acid substitution p.Ser286Trp. To our knowledge, this variant has not been reported in the literature. This variant is reported in 0.032% of alleles in individuals of African descent in gnomAD. At this time, the clinical significance of this variant is uncertain due to the absence of conclusive functional and genetic evidence.

Labcorp Genetics (formerly Invitae), Labcorp
Classification: Uncertain significance for Peroxisome biogenesis disorder 12A (Zellweger). Last evaluated: 2022-07-26. Review status: criteria provided, single submitter. Criteria: Invitae Variant Classification Sherloc (09022015). Collection method: clinical testing. Allele origin: germline.
Comment: This sequence change replaces serine, which is neutral and polar, with tryptophan, which is neutral and slightly polar, at codon 286 of the PEX19 protein (p.Ser286Trp). This variant is present in population databases (rs149976198, gnomAD 0.02%). This variant has not been reported in the literature in individuals affected with PEX19-related conditions. ClinVar contains an entry for this variant (Variation ID: 595959). Algorithms developed to predict the effect of missense changes on protein structure and function are either unavailable or do not agree on the potential impact of this missense change (SIFT: "Deleterious"; PolyPhen-2: "Probably Damaging"; Align-GVGD: "Class C0"). In summary, the available evidence is currently insufficient to determine the role of this variant in disease. Therefore, it has been classified as a Variant of Uncertain Significance.

Eurofins Ntd Llc (ga)
Classification: Uncertain significance. Last evaluated: 2018-01-31. Review status: criteria provided, single submitter. Criteria: EGL Classification Definitions 2015. Collection method: clinical testing. Allele origin: germline. Observed: 1 variant allele, 1 heterozygote.